The following is an entry in ClinVar:

ClinVar aggregate classification (germline): Likely benign (1 of 4 stars; one submission).

gnomAD v4.1: 1 of 1,614,260 alleles (0.000062%); highest among the groups gnomAD compares: South Asian, 0.0011%; no homozygotes.

Submission:

Molecular Diagnostic Laboratory for Inherited Cardiovascular Disease, Montreal Heart Institute
Classification: Likely benign. Last evaluated: 2025-04-09. Review status: criteria provided, single submitter. Criteria: ACMG Guidelines, 2015. Collection method: clinical testing. Allele origin: germline. Affected: no.
Comment: BP7

NM_017636.4(TRPM4):c.3210C>T (p.His1070=)

Gene: TRPM4 (transient receptor potential cation channel subfamily M member 4; plus strand). Cytogenetic location: 19q13.33.
Variant type: single nucleotide variant.
Coding change: c.3210C>T on transcript NM_017636.4 (MANE Select); coding-DNA position 3210, C replaced by T.
Protein change: p.His1070=; no amino-acid change (histidine 1070 retained).
Molecular consequence: synonymous variant.
Genome position (GRCh38, 1-based): chr19:49,210,287, C>T. VCF-style: chr19-49210287-C-T. GRCh37 (hg19) VCF-style: chr19-49713544-C-T.
Other names: c.2775C>T, p.His925= (NM_001195227.2); c.2865C>T, p.His955= (NM_001321281.2); c.1602C>T, p.His534= (NM_001321282.2); c.2688C>T, p.His896= (NM_001321283.2); c.2148C>T, p.His716= (NM_001321285.2).
Identifiers: ClinVar variation 3895344 (VCV003895344.1), dbSNP rs748532297.